The following is an entry in ClinVar:

NM_020366.4(RPGRIP1):c.2490C>T (p.Thr830=)

Gene: RPGRIP1 (RPGR interacting protein 1; plus strand). Cytogenetic location: 14q11.2.
Variant type: single nucleotide variant.
Coding change: c.2490C>T on transcript NM_020366.4 (MANE Select); coding-DNA position 2490, C replaced by T.
Protein change: p.Thr830=; no amino-acid change (threonine 830 retained).
Molecular consequence: synonymous variant. On other transcripts: intron variant (4).
Genome position (GRCh38, 1-based): chr14:21,325,953, C>T. VCF-style: chr14-21325953-C-T. GRCh37 (hg19) VCF-style: chr14-21794112-C-T.
Other names: c.1416C>T, p.Thr472= (NM_001377948.1); c.796+1228C>T (NM_001377949.1); c.689-1670C>T (NM_001377523.1, NM_001377950.1); c.191-1670C>T (NM_001377951.1).
Identifiers: ClinVar variation 719932 (VCV000719932.11), dbSNP rs748441119, ClinGen allele CA7089274.

ClinVar aggregate classification (germline): Likely benign. Review status: criteria provided, multiple submitters, no conflicts (2 of 4 stars). 3 submissions from 3 submitters: Likely benign (3). Last evaluated 2025-06-09.

Conditions:
RPGRIP1-related disorder. Also called: RPGRIP1-related condition.
Cone-rod dystrophy 13 (CORD13). Identifiers: Orphanet 1872, MedGen C2750720, MONDO:0011987, OMIM 608194.
Leber congenital amaurosis 6 (LCA6). Identifiers: Orphanet 65, MedGen C1854260, MONDO:0013446, OMIM 613826.

Allele frequency attached by ClinVar (database versions not stated): ExAC 0.00001; TOPMed 0.00001; gnomAD exomes 0.00002 and 0.00004; gnomAD 0.00003 and 0.00004.
gnomAD v4.1: 61 of 1,613,884 alleles (0.0038%); highest among the groups gnomAD compares: Non-Finnish European, 0.0047%; no homozygotes.

Submissions (3):

Labcorp Genetics (formerly Invitae), Labcorp
Classification: Likely benign for Leber congenital amaurosis 6; Cone-rod dystrophy 13. Last evaluated: 2025-06-09. Review status: criteria provided, single submitter. Criteria: Invitae Variant Classification Sherloc (09022015). Collection method: clinical testing. Allele origin: germline.

PreventionGenetics, part of Exact Sciences
Classification: Likely benign for RPGRIP1-related condition. Last evaluated: 2025-02-28. Review status: criteria provided, single submitter. Criteria: ACMG Guidelines, 2015. Collection method: clinical testing. Allele origin: germline.
Comment: This variant is classified as likely benign based on ACMG/AMP sequence variant interpretation guidelines (Richards et al. 2015 PMID: 25741868, with internal and published modifications).

Blueprint Genetics
Classification: Likely benign. Last evaluated: 2022-09-05. Review status: criteria provided, single submitter. Criteria: ACMG Guidelines, 2015. Collection method: clinical testing. Allele origin: germline.